The following is an entry in ClinVar:

NM_001258392.3(CLPB):c.1330-285C>G

Gene: CLPB (ClpB family mitochondrial disaggregase; minus strand). Cytogenetic location: 11q13.4.
Variant type: single nucleotide variant.
Coding change: c.1330-285C>G on transcript NM_001258392.3 (MANE Select); 285 bases into the intron before coding-DNA position 1330, C replaced by G.
Molecular consequence: intron variant.
Genome position (GRCh38, 1-based): chr11:72,295,933, G>C on the plus strand (C>G on the coding strand, the complement: CLPB is on the minus strand). VCF-style: chr11-72295933-G-C. GRCh37 (hg19) VCF-style: chr11-72006977-G-C.
Other names: c.1243-285C>G (NM_001258393.3); c.1420-285C>G (NM_030813.6); c.1285-285C>G (NM_001258394.3).
Identifiers: ClinVar variation 683868 (VCV000683868.1), dbSNP rs474629, ClinGen allele CA13506089.
Genomic context (GRCh38, chr11:72,295,933, plus strand): 5'-TCCAGGTGAGGCTGCAGTTGCTCTCTGGCATCTCTTGGGGCACCCAACTATCCCTGGCAT[G>C]CAGAAGTCAGTCACAGTTAGCCATTCATTTGTGCAACCAACACATTTTTTGGAGGCCCGC-3'

ClinVar aggregate classification (germline): Benign (1 of 4 stars; one submission).

Allele frequency attached by ClinVar (database versions not stated): gnomAD 0.19670 and 0.20258; TOPMed 0.21241; 1000 Genomes Project 0.23423; 1000 Genomes Project 30x 0.24016.
gnomAD v4.1: 29,727 of 152,208 alleles (20%); highest among the groups gnomAD compares: African/African-American, 46%; 5,098 homozygotes.

Submission:

GeneDx
Classification: Benign. Last evaluated: 2018-06-14. Review status: criteria provided, single submitter. Criteria: GeneDx Variant Classification (06012015). Collection method: clinical testing. Allele origin: germline. Affected: yes.
Comment: This variant is considered likely benign or benign based on one or more of the following criteria: it is a conservative change, it occurs at a poorly conserved position in the protein, it is predicted to be benign by multiple in silico algorithms, and/or has population frequency not consistent with disease.